The following is an entry in ClinVar:

NM_024598.4(USB1):c.755G>A (p.Arg252His)

Gene: USB1 (U6 snRNA biogenesis phosphodiesterase 1; plus strand). Cytogenetic location: 16q21.
Variant type: single nucleotide variant.
Coding change: c.755G>A on transcript NM_024598.4 (MANE Select); coding-DNA position 755, G replaced by A.
Protein change: p.Arg252His; replaces arginine 252 with histidine.
Molecular consequence: missense variant.
Genome position (GRCh38, 1-based): chr16:58,020,202, G>A. VCF-style: chr16-58020202-G-A. GRCh37 (hg19) VCF-style: chr16-58054106-G-A.
Other names: c.701G>A, p.Arg234His (NM_001195302.2); c.602G>A, p.Arg201His (NM_001330568.2); short protein forms R252H, R201H, R234H.
Identifiers: ClinVar variation 2195987 (VCV002195987.3), dbSNP rs780003077, ClinGen allele CA8085051.

ClinVar aggregate classification (germline): Uncertain significance. Review status: criteria provided, multiple submitters, no conflicts (2 of 4 stars). 2 submissions from 2 submitters: Uncertain significance (2). Last evaluated 2025-09-10.

Conditions:
Inborn genetic diseases. Identifiers: MedGen C0950123, MeSH D030342.

Allele frequency attached by ClinVar (database versions not stated): ExAC 0.00002; gnomAD exomes 0.00003; TOPMed 0.00005; gnomAD 0.00006.

Submissions (2):

Ambry Genetics
Classification: Uncertain significance for Inborn genetic diseases. Last evaluated: 2025-09-10. Review status: criteria provided, single submitter. Criteria: Ambry Variant Classification Scheme 2023. Collection method: clinical testing. Allele origin: germline.

Labcorp Genetics (formerly Invitae), Labcorp
Classification: Uncertain significance. Last evaluated: 2022-10-03. Review status: criteria provided, single submitter. Criteria: Invitae Variant Classification Sherloc (09022015). Collection method: clinical testing. Allele origin: germline.
Comment: This sequence change replaces arginine, which is basic and polar, with histidine, which is basic and polar, at codon 252 of the USB1 protein (p.Arg252His). This variant is present in population databases (rs780003077, gnomAD 0.05%). This variant has not been reported in the literature in individuals affected with USB1-related conditions. Advanced modeling of protein sequence and biophysical properties (such as structural, functional, and spatial information, amino acid conservation, physicochemical variation, residue mobility, and thermodynamic stability) performed at Invitae indicates that this missense variant is not expected to disrupt USB1 protein function. In summary, the available evidence is currently insufficient to determine the role of this variant in disease. Therefore, it has been classified as a Variant of Uncertain Significance.